The following is an entry in ClinVar:

ClinVar aggregate classification (germline): Uncertain significance. Review status: criteria provided, multiple submitters, no conflicts (2 of 4 stars). 3 submissions from 3 submitters: Uncertain significance (3). Last evaluated 2025-09-13.

Conditions:
Hydrocephalus, nonsyndromic, autosomal recessive 2. Also called: Hydrocephalus, congenital, 2, with or without brain or eye anomalies. Identifiers: Orphanet 2185, MedGen C3554691, MONDO:0014085, OMIM 615219.
Inborn genetic diseases. Identifiers: MedGen C0950123, MeSH D030342.

Allele frequency attached by ClinVar (database versions not stated): ExAC 0.00002; TOPMed 0.00002; gnomAD 0.00004 and 0.00006; 1000 Genomes Project 30x 0.00016; 1000 Genomes Project 0.00020.
gnomAD v4.1: 57 of 1,613,982 alleles (0.0035%); highest among the groups gnomAD compares: African/African-American, 0.027%; no homozygotes.

Submissions (3):

Labcorp Genetics (formerly Invitae), Labcorp
Classification: Uncertain significance. Last evaluated: 2025-09-13. Review status: criteria provided, single submitter. Criteria: Invitae Variant Classification Sherloc (09022015). Collection method: clinical testing. Allele origin: germline.
Comment: This sequence change replaces glycine, which is neutral and non-polar, with arginine, which is basic and polar, at codon 1764 of the MPDZ protein (p.Gly1764Arg). This variant is present in population databases (rs377471452, gnomAD 0.03%). This variant has not been reported in the literature in individuals affected with MPDZ-related conditions. ClinVar contains an entry for this variant (Variation ID: 1496277). An algorithm developed to predict the effect of missense changes on protein structure and function (PolyPhen-2) suggests that this variant is likely to be disruptive. In summary, the available evidence is currently insufficient to determine the role of this variant in disease. Therefore, it has been classified as a Variant of Uncertain Significance.

Ambry Genetics
Classification: Uncertain significance for Inborn genetic diseases. Last evaluated: 2024-10-16. Review status: criteria provided, single submitter. Criteria: Ambry Variant Classification Scheme 2023. Collection method: clinical testing. Allele origin: germline.

Department of Pathology and Laboratory Medicine, Sinai Health System
Classification: Uncertain significance for Hydrocephalus, nonsyndromic, autosomal recessive 2. Last evaluated: 2022-10-13. Review status: criteria provided, single submitter. Criteria: ACMG Guidelines, 2015. Collection method: research. Allele origin: germline.

NM_001378778.1(MPDZ):c.5290G>A (p.Gly1764Arg)

Gene: MPDZ (multiple PDZ domain crumbs cell polarity complex component; minus strand). Cytogenetic location: 9p23.
Variant type: single nucleotide variant.
Coding change: c.5290G>A on transcript NM_001378778.1 (MANE Select); coding-DNA position 5290, G replaced by A.
Protein change: p.Gly1764Arg; replaces glycine 1764 with arginine.
Molecular consequence: missense variant.
Genome position (GRCh38, 1-based): chr9:13,119,591, C>T on the plus strand (G>A on the coding strand, the complement: MPDZ is on the minus strand). VCF-style: chr9-13119591-C-T. GRCh37 (hg19) VCF-style: chr9-13119590-C-T.
Other names: c.5290G>A (NM_003829.3); c.5191G>A, p.Gly1731Arg (NM_001261406.2, NM_001261407.2, NM_001375416.1 and 3 more transcripts); c.5290G>A, p.Gly1764Arg (NM_001330637.2, NM_003829.5); c.5389G>A, p.Gly1797Arg (NM_001375413.1); c.5080G>A, p.Gly1694Arg (NM_001375420.1, NM_001375421.1, NM_001375422.1 and 4 more transcripts); c.4882G>A, p.Gly1628Arg (NM_001375427.1); short protein forms G1764R, G1797R, G1628R, G1694R, G1731R.
Identifiers: ClinVar variation 1496277 (VCV001496277.10), dbSNP rs377471452, ClinGen allele CA4986358.